The following is an entry in ClinVar:

NM_004360.5(CDH1):c.949T>A (p.Phe317Ile)

Gene: CDH1 (cadherin 1; plus strand). Cytogenetic location: 16q22.1.
Variant type: single nucleotide variant.
Coding change: c.949T>A on transcript NM_004360.5 (MANE Select); coding-DNA position 949, T replaced by A.
Protein change: p.Phe317Ile; replaces phenylalanine 317 with isoleucine.
Molecular consequence: missense variant. On other transcripts: 5 prime UTR variant (2).
Genome position (GRCh38, 1-based): chr16:68,811,800, T>A. VCF-style: chr16-68811800-T-A. GRCh37 (hg19) VCF-style: chr16-68845703-T-A.
Other names: c.949T>A (LRG_301t1); c.949T>A, p.Phe317Ile (NM_001317184.2); c.-667T>A (NM_001317185.2); c.-871T>A (NM_001317186.2); short protein forms F317I.
Identifiers: ClinVar variation 489861 (VCV000489861.5), dbSNP rs1555515643, ClinGen allele CA396459785.
Genomic context (GRCh38, chr16:68,811,800, plus strand): 5'-AATGCCGCCATCGCTTACACCATCCTCAGCCAAGATCCTGAGCTCCCTGACAAAAATATG[T>A]TCACCATTAACAGGAACACAGGAGTCATCAGTGTGGTCACCACTGGGCTGGACCGAGAGG-3'
Protein context (NP_004351.1, residues 307-327): QDPELPDKNM[Phe317Ile]TINRNTGVIS

ClinVar aggregate classification (germline): Uncertain significance. Review status: criteria provided, multiple submitters, no conflicts (2 of 4 stars). 2 submissions from 2 submitters: Uncertain significance (2). Last evaluated 2026-02-10.

Conditions:
Hereditary cancer-predisposing syndrome. Also called: Tumor predisposition; Hereditary Cancer Syndrome; Neoplastic Syndromes, Hereditary; Hereditary neoplastic syndrome. Identifiers: Orphanet 140162, MedGen C0027672, MeSH D009386, MONDO:0015356.

Submissions (2):

Ambry Genetics
Classification: Uncertain significance for Hereditary cancer-predisposing syndrome. Last evaluated: 2026-02-10. Review status: criteria provided, single submitter. Criteria: Ambry Variant Classification Scheme 2023. Collection method: clinical testing. Allele origin: germline.
Comment: The p.F317I variant (also known as c.949T>A), located in coding exon 7 of the CDH1 gene, results from a T to A substitution at nucleotide position 949. The phenylalanine at codon 317 is replaced by isoleucine, an amino acid with highly similar properties. This amino acid position is highly conserved in available vertebrate species. In addition, this alteration is predicted to be deleterious by in silico analysis. Based on the available evidence, the clinical significance of this variant remains unclear.

Color Diagnostics, LLC DBA Color Health
Classification: Uncertain significance for Hereditary cancer-predisposing syndrome. Last evaluated: 2018-12-13. Review status: criteria provided, single submitter. Criteria: ACMG Guidelines, 2015. Collection method: clinical testing. Allele origin: germline.